The following is an entry in ClinVar:

NM_000321.3(RB1):c.515T>C (p.Ile172Thr)

Gene: RB1 (RB transcriptional corepressor 1; plus strand). Cytogenetic location: 13q14.2.
Variant type: single nucleotide variant.
Coding change: c.515T>C on transcript NM_000321.3 (MANE Select); coding-DNA position 515, T replaced by C.
Protein change: p.Ile172Thr; replaces isoleucine 172 with threonine.
Molecular consequence: missense variant.
Genome position (GRCh38, 1-based): chr13:48,347,839, T>C. VCF-style: chr13-48347839-T-C. GRCh37 (hg19) VCF-style: chr13-48921975-T-C.
Other names: short protein forms I172T.
Identifiers: ClinVar variation 954096 (VCV000954096.13), dbSNP rs1952511717, ClinGen allele CA388156808.

ClinVar aggregate classification (germline): Uncertain significance. Review status: criteria provided, multiple submitters, no conflicts (2 of 4 stars). 4 submissions from 4 submitters: Uncertain significance (4). Last evaluated 2025-02-04.

Conditions:
Hereditary cancer-predisposing syndrome. Also called: Hereditary neoplastic syndrome; Tumor predisposition; Neoplastic Syndromes, Hereditary; Hereditary Cancer Syndrome. Identifiers: Orphanet 140162, MedGen C0027672, MeSH D009386, MONDO:0015356.
Retinoblastoma (RB1). Also called: RETINOBLASTOMA, SOMATIC. Identifiers: Orphanet 790, MedGen C0035335, MeSH D012175, MONDO:0008380, OMIM 180200, HP:0009919. Disease mechanism: loss of function. Inheritance: Both sporadic and heritable forms are tested..

Submissions (4):

Labcorp Genetics (formerly Invitae), Labcorp
Classification: Uncertain significance for Retinoblastoma. Last evaluated: 2025-02-04. Review status: criteria provided, single submitter. Criteria: Invitae Variant Classification Sherloc (09022015). Collection method: clinical testing. Allele origin: germline.
Comment: This sequence change replaces isoleucine, which is neutral and non-polar, with threonine, which is neutral and polar, at codon 172 of the RB1 protein (p.Ile172Thr). This variant is not present in population databases (gnomAD no frequency). This variant has not been reported in the literature in individuals affected with RB1-related conditions. ClinVar contains an entry for this variant (Variation ID: 954096). Invitae Evidence Modeling of protein sequence and biophysical properties (such as structural, functional, and spatial information, amino acid conservation, physicochemical variation, residue mobility, and thermodynamic stability) indicates that this missense variant is expected to disrupt RB1 protein function with a positive predictive value of 80%. In summary, the available evidence is currently insufficient to determine the role of this variant in disease. Therefore, it has been classified as a Variant of Uncertain Significance.

GeneDx
Classification: Uncertain significance. Last evaluated: 2024-12-08. Review status: criteria provided, single submitter. Criteria: GeneDx Variant Classification Process June 2021. Collection method: clinical testing. Allele origin: germline. Affected: yes.
Comment: Not observed at significant frequency in large population cohorts (gnomAD); In silico analysis supports that this missense variant has a deleterious effect on protein structure/function; Has not been previously published as pathogenic or benign to our knowledge; This variant is associated with the following publications: (PMID: 23516486)

Ambry Genetics
Classification: Uncertain significance for Hereditary cancer-predisposing syndrome. Last evaluated: 2024-05-18. Review status: criteria provided, single submitter. Criteria: Ambry Variant Classification Scheme 2023. Collection method: clinical testing. Allele origin: germline.
Comment: The p.I172T variant (also known as c.515T>C), located in coding exon 5 of the RB1 gene, results from a T to C substitution at nucleotide position 515. The isoleucine at codon 172 is replaced by threonine, an amino acid with similar properties. This amino acid position is highly conserved in available vertebrate species. In addition, this alteration is predicted to be deleterious by in silico analysis. Since supporting evidence is limited at this time, the clinical significance of this alteration remains unclear.

All of Us Research Program, National Institutes of Health
Classification: Uncertain significance for Retinoblastoma. Last evaluated: 2023-06-26. Review status: criteria provided, single submitter. Criteria: ACMG Guidelines, 2015. Collection method: clinical testing. Allele origin: germline. Inheritance: Autosomal dominant inheritance. Observed: 1 variant allele, 1 heterozygote.
Comment: This missense variant replaces isoleucine with threonine at codon 172 of the RB1 protein. Computational prediction suggests that this variant may have deleterious impact on protein structure and function (internally defined REVEL score threshold >= 0.7, PMID: 27666373). To our knowledge, functional studies have not been reported for this variant. This variant has not been reported in individuals affected with RB1-related disorders in the literature. This variant has not been identified in the general population by the Genome Aggregation Database (gnomAD). The available evidence is insufficient to determine the role of this variant in disease conclusively. Therefore, this variant is classified as a Variant of Uncertain Significance.

This study involves interpretation of variants in research participants for the purpose of population health screening. Participant phenotype was not available at the time of variant classification. Additional details can be found in publication PMID: 35346344, PMCID: PMC8962531